The following is an entry in ClinVar:

ClinVar aggregate classification (germline): Likely benign. Review status: criteria provided, multiple submitters, no conflicts (2 of 4 stars). 2 submissions from 2 submitters: Likely benign (2). Last evaluated 2024-11-06.

Allele frequency attached by ClinVar (database versions not stated): ExAC 0.00075; 1000 Genomes Project 30x 0.00172; 1000 Genomes Project 0.00200; ESP Exome Variant Server 0.00262.

Submissions (2):

Blueprint Genetics
Classification: Likely benign. Last evaluated: 2024-11-06. Review status: criteria provided, single submitter. Criteria: ACMG Guidelines, 2015. Collection method: clinical testing. Allele origin: germline.

CeGaT Center for Human Genetics Tuebingen
Classification: Likely benign. Last evaluated: 2023-10-01. Review status: criteria provided, single submitter. Criteria: CeGaT Center For Human Genetics Tuebingen Variant Classification Criteria Version 2. Collection method: clinical testing. Allele origin: germline. Affected: yes. Observed: 3 variant alleles.
Comment: POLR2A: BP4, BP7

NM_000937.5(POLR2A):c.5082A>G (p.Pro1694=)

Gene: POLR2A (RNA polymerase II subunit A; plus strand). Cytogenetic location: 17p13.1.
Variant type: single nucleotide variant.
Coding change: c.5082A>G on transcript NM_000937.5 (MANE Select); coding-DNA position 5082, A replaced by G.
Protein change: p.Pro1694=; no amino-acid change (proline 1694 retained).
Molecular consequence: synonymous variant.
Genome position (GRCh38, 1-based): chr17:7,513,346, A>G. VCF-style: chr17-7513346-A-G. GRCh37 (hg19) VCF-style: chr17-7416665-A-G.
Identifiers: ClinVar variation 2647362 (VCV002647362.25), dbSNP rs149643245, ClinGen allele CA8350495.